The following is an entry in ClinVar:

NM_000530.8(MPZ):c.26del (p.Ser9fs)

Gene: MPZ (myelin protein zero; minus strand). Cytogenetic location: 1q23.3.
Variant type: Deletion.
Coding change: c.26del on transcript NM_000530.8 (MANE Select); coding-DNA position 26, one base deleted (G; older notation c.26delG).
Protein change: p.Ser9fs; shifts the reading frame from serine 9.
Molecular consequence: frameshift variant.
Genome position (GRCh38, 1-based): chr1:161,309,880, C deleted on the plus strand (G on the coding strand, the reverse complement: MPZ is on the minus strand). VCF-style (leftmost placement, unchanged base first): chr1-161309879-GC-G. GRCh37 (hg19) VCF-style: chr1-161279669-GC-G.
Other names: c.26delG (NM_000530.6); c.26del (LRG_256t1); c.26del, p.Ser9fs (NM_001315491.2); short protein forms S9fs.
Identifiers: ClinVar variation 422047 (VCV000422047.3), dbSNP rs1064795521, ClinGen allele CA16617017.

ClinVar aggregate classification (germline): Likely pathogenic (1 of 4 stars; one submission).

Submission:

GeneDx
Classification: Likely pathogenic. Last evaluated: 2021-01-08. Review status: criteria provided, single submitter. Criteria: GeneDx Variant Classification Process June 2021. Collection method: clinical testing. Allele origin: germline. Affected: yes.
Comment: Frameshift variant predicted to result in protein truncation or nonsense mediated decay in a gene for which loss-of-function is a known mechanism of disease; Not observed in large population cohorts (Lek et al., 2016); Has not been previously published as pathogenic or benign to our knowledge